The following is an entry in ClinVar:

NM_001148.6(ANK2):c.10309A>G (p.Ile3437Val)

Gene: ANK2 (ankyrin 2; plus strand). Cytogenetic location: 4q26.
Variant type: single nucleotide variant.
Coding change: c.10309A>G on transcript NM_001148.6 (MANE Select); coding-DNA position 10309, A replaced by G.
Protein change: p.Ile3437Val; replaces isoleucine 3437 with valine.
Molecular consequence: missense variant. On other transcripts: intron variant (68).
Genome position (GRCh38, 1-based): chr4:113,358,927, A>G. VCF-style: chr4-113358927-A-G. GRCh37 (hg19) VCF-style: chr4-114280083-A-G.
Other names: c.10075A>G, p.Ile3359Val (NM_001386142.1); c.6709A>G, p.Ile2237Val (NM_001386166.1); c.10450A>G, p.Ile3484Val (NM_001386174.1); c.10426A>G, p.Ile3476Val (NM_001386175.1); c.4412-1896A>G (NM_001386186.2, NM_001386148.2); c.4214-1896A>G (NM_001354269.3); c.4292-1896A>G (NM_001386187.2); c.4253-1896A>G (NM_001386147.1); and 35 more; short protein forms I2237V, I3359V, I3437V, I3476V, I3484V.
Identifiers: ClinVar variation 4527499 (VCV004527499.1).

ClinVar aggregate classification (germline): Uncertain significance (1 of 4 stars; one submission).

Submission:

GeneDx
Classification: Uncertain significance. Last evaluated: 2025-04-22. Review status: criteria provided, single submitter. Criteria: GeneDx Variant Classification Process June 2021. Collection method: clinical testing. Allele origin: germline. Affected: yes.
Comment: Not observed at significant frequency in large population cohorts (gnomAD); In silico analysis indicates that this missense variant does not alter protein structure/function; Has not been previously published as pathogenic or benign to our knowledge; In silico analysis suggests this variant may impact gene splicing. In the absence of RNA/functional studies, the actual effect of this sequence change is unknown.